The following is an entry in ClinVar:

ClinVar aggregate classification (germline): Uncertain significance (1 of 4 stars; one submission).

Submission:

GeneDx
Classification: Uncertain significance. Last evaluated: 2015-12-29. Review status: criteria provided, single submitter. Criteria: GeneDx Variant Classification (06012015). Collection method: clinical testing. Allele origin: germline. Affected: yes.
Comment: The G2425R variant in the CELSR1 gene has not been reported previously as a pathogenic variant, nor as a benign variant, to our knowledge. The G2425R variant was not observed in approximately 6,500 individuals of European and African American ancestry in the NHLBI Exome Sequencing Project, indicating it is not a common benign variant in these populations. The G2425R variant is a non-conservative amino acid substitution, which is likely to impact secondary protein structure as these residues differ in polarity, charge, size and/or other properties. This substitution occurs at a position where amino acids with similar properties to Glycine are tolerated across species. In silico analysis is inconsistent in its predictions as to whether or not the variant is damaging to the protein structure/function. We interpret G2425R as a variant of uncertain significance.

NM_001378328.1(CELSR1):c.7273G>A (p.Gly2425Arg)

Gene: CELSR1 (cadherin EGF LAG seven-pass G-type receptor 1; minus strand). Cytogenetic location: 22q13.31.
Variant type: single nucleotide variant.
Coding change: c.7273G>A on transcript NM_001378328.1 (MANE Select); coding-DNA position 7273, G replaced by A.
Protein change: p.Gly2425Arg; replaces glycine 2425 with arginine.
Molecular consequence: missense variant.
Genome position (GRCh38, 1-based): chr22:46,378,701, C>T on the plus strand (G>A on the coding strand, the complement: CELSR1 is on the minus strand). VCF-style: chr22-46378701-C-T. GRCh37 (hg19) VCF-style: chr22-46774598-C-T.
Other names: c.7273G>A, p.Gly2425Arg (NM_014246.4); short protein forms G2425R.
Identifiers: ClinVar variation 420271 (VCV000420271.2), dbSNP rs774311996, ClinGen allele CA16621130.
Genomic context (GRCh38, chr22:46,378,701, plus strand): 5'-ACTGGCAGGCGACATGTGTCCGGTTCCTGGACAGGAGCTCGCAGCCCCGGGCAGACCACC[C>T]TCCCGTCCCACCAACGCTGCGGAGAGGACAGAGAAGGGGCAGGGGTAAGACGGTTCCCTC-3'
Protein context (NP_001365257.1, residues 2415-2435): NHSLAVGGTG[Gly2425Arg]WSARGCELLS